The following is an entry in ClinVar:

NM_005669.5(REEP5):c.445G>A (p.Glu149Lys)

Genes: REEP5 (receptor accessory protein 5; minus strand), SRP19 (signal recognition particle 19; plus strand). Cytogenetic location: 5q22.2.
Variant type: single nucleotide variant.
Coding change: c.445G>A on transcript NM_005669.5 (MANE Select); coding-DNA position 445, G replaced by A.
Protein change: p.Glu149Lys; replaces glutamic acid 149 with lysine.
Molecular consequence: missense variant. On other transcripts: intron variant (1).
Genome position (GRCh38, 1-based): chr5:112,887,090, C>T on the plus strand (G>A on the coding strand, the complement: REEP5 is on the minus strand). VCF-style: chr5-112887090-C-T. GRCh37 (hg19) VCF-style: chr5-112222787-C-T.
Other names: c.302-4513C>T (NM_001204199.2); short protein forms E149K.
Identifiers: ClinVar variation 2655638 (VCV002655638.22), dbSNP rs34083474, ClinGen allele CA3368451.

ClinVar aggregate classification (germline): Benign (1 of 4 stars; one submission).

Allele frequency attached by ClinVar (database versions not stated): gnomAD 0.01126; gnomAD exomes 0.01267; 1000 Genomes Project 0.01018; TOPMed 0.01241; ExAC 0.00955; 1000 Genomes Project 30x 0.01046; ESP Exome Variant Server 0.01200.
gnomAD v4.1: 20,226 of 1,613,564 alleles (1.3%); highest among the groups gnomAD compares: Middle Eastern, 1.9%; 175 homozygotes.

Submission:

CeGaT Center for Human Genetics Tuebingen
Classification: Benign. Last evaluated: 2025-06-01. Review status: criteria provided, single submitter. Criteria: CeGaT Center For Human Genetics Tuebingen Variant Classification Criteria Version 2. Collection method: clinical testing. Allele origin: germline. Affected: yes. Observed: 5 variant alleles.
Comment: REEP5: BS1, BS2; SRP19: BS1, BS2